The following is an entry in ClinVar:

ClinVar aggregate classification (germline): Likely benign. Review status: criteria provided, multiple submitters, no conflicts (2 of 4 stars). 3 submissions from 3 submitters: Likely benign (3). Last evaluated 2025-06-17.

Conditions:
Inborn genetic diseases. Identifiers: MedGen C0950123, MeSH D030342.

Submissions (3):

Labcorp Genetics (formerly Invitae), Labcorp
Classification: Likely benign. Last evaluated: 2025-06-17. Review status: criteria provided, single submitter. Criteria: Invitae Variant Classification Sherloc (09022015). Collection method: clinical testing. Allele origin: germline.

Ambry Genetics
Classification: Likely benign for Inborn genetic diseases. Last evaluated: 2024-12-03. Review status: criteria provided, single submitter. Criteria: Ambry Variant Classification Scheme 2023. Collection method: clinical testing. Allele origin: germline.

CeGaT Center for Human Genetics Tuebingen
Classification: Likely benign. Last evaluated: 2023-09-01. Review status: criteria provided, single submitter. Criteria: CeGaT Center For Human Genetics Tuebingen Variant Classification Criteria Version 2. Collection method: clinical testing. Allele origin: germline. Affected: yes. Observed: 1 variant allele.
Comment: MBD4: BP4, BP7

NM_001276270.2(MBD4):c.879T>C (p.Ala293=)

Gene: MBD4 (methyl-CpG binding domain 4, DNA glycosylase; minus strand). Cytogenetic location: 3q21.3.
Variant type: single nucleotide variant.
Coding change: c.879T>C on transcript NM_001276270.2 (MANE Select); coding-DNA position 879, T replaced by C.
Protein change: p.Ala293=; no amino-acid change (alanine 293 retained).
Molecular consequence: synonymous variant. On other transcripts: intron variant (1).
Genome position (GRCh38, 1-based): chr3:129,436,765, A>G on the plus strand (T>C on the coding strand, the complement: MBD4 is on the minus strand). VCF-style: chr3-129436765-A-G. GRCh37 (hg19) VCF-style: chr3-129155608-A-G.
Other names: c.879T>C, p.Ala293= (NM_001276271.2, NM_001276272.2, NM_003925.3); c.247+1043T>C (NM_001276273.2).
Identifiers: ClinVar variation 2654124 (VCV002654124.28), dbSNP rs770049431, ClinGen allele CA2605454.